The following is an entry in ClinVar:

ClinVar aggregate classification (germline): Uncertain significance (1 of 4 stars; one submission).

Submission:

Labcorp Genetics (formerly Invitae), Labcorp
Classification: Uncertain significance. Last evaluated: 2022-07-06. Review status: criteria provided, single submitter. Criteria: Invitae Variant Classification Sherloc (09022015). Collection method: clinical testing. Allele origin: germline.
Comment: In summary, the available evidence is currently insufficient to determine the role of this variant in disease. Therefore, it has been classified as a Variant of Uncertain Significance. Algorithms developed to predict the effect of missense changes on protein structure and function output the following: SIFT: "Tolerated"; PolyPhen-2: "Benign"; Align-GVGD: "Class C0". The valine amino acid residue is found in multiple mammalian species, which suggests that this missense change does not adversely affect protein function. ClinVar contains an entry for this variant (Variation ID: 1368197). This variant has not been reported in the literature in individuals affected with COQ9-related conditions. This variant is not present in population databases (gnomAD no frequency). This sequence change replaces methionine, which is neutral and non-polar, with valine, which is neutral and non-polar, at codon 208 of the COQ9 protein (p.Met208Val).

NM_020312.4(COQ9):c.622A>G (p.Met208Val)

Gene: COQ9 (coenzyme Q9; plus strand). Cytogenetic location: 16q21.
Variant type: single nucleotide variant.
Coding change: c.622A>G on transcript NM_020312.4 (MANE Select); coding-DNA position 622, A replaced by G.
Protein change: p.Met208Val; replaces methionine 208 with valine.
Molecular consequence: missense variant.
Genome position (GRCh38, 1-based): chr16:57,458,261, A>G. VCF-style: chr16-57458261-A-G. GRCh37 (hg19) VCF-style: chr16-57492173-A-G.
Other names: short protein forms M208V.
Identifiers: ClinVar variation 1368197 (VCV001368197.6), dbSNP rs1192973132, ClinGen allele CA396029179.